The following is an entry in ClinVar:

NM_014639.4(SKIC3):c.2012-9T>A

Gene: SKIC3 (SKI3 subunit of superkiller complex; minus strand). Cytogenetic location: 5q15.
Variant type: single nucleotide variant.
Coding change: c.2012-9T>A on transcript NM_014639.4 (MANE Select); 9 bases into the intron before coding-DNA position 2012, T replaced by A.
Molecular consequence: intron variant.
Genome position (GRCh38, 1-based): chr5:95,520,827, A>T on the plus strand (T>A on the coding strand, the complement: SKIC3 is on the minus strand). VCF-style: chr5-95520827-A-T. GRCh37 (hg19) VCF-style: chr5-94856531-A-T.
Identifiers: ClinVar variation 1365631 (VCV001365631.8), dbSNP rs2112328196, ClinGen allele CA2573140049.

ClinVar aggregate classification (germline): Uncertain significance (1 of 4 stars; one submission).

Submission:

Labcorp Genetics (formerly Invitae), Labcorp
Classification: Uncertain significance. Last evaluated: 2021-07-03. Review status: criteria provided, single submitter. Criteria: Invitae Variant Classification Sherloc (09022015). Collection method: clinical testing. Allele origin: germline.
Comment: This sequence change falls in intron 19 of the TTC37 gene. It does not directly change the encoded amino acid sequence of the TTC37 protein. This variant is not present in population databases (ExAC no frequency). This variant has not been reported in the literature in individuals affected with TTC37-related conditions. Algorithms developed to predict the effect of sequence changes on RNA splicing suggest that this variant may disrupt the consensus splice site. In summary, the available evidence is currently insufficient to determine the role of this variant in disease. Therefore, it has been classified as a Variant of Uncertain Significance.